The following is an entry in ClinVar:

NM_000784.4(CYP27A1):c.676A>G (p.Ile226Val)

Gene: CYP27A1 (cytochrome P450 family 27 subfamily A member 1; plus strand). Cytogenetic location: 2q35.
Variant type: single nucleotide variant.
Coding change: c.676A>G on transcript NM_000784.4 (MANE Select); coding-DNA position 676, A replaced by G.
Protein change: p.Ile226Val; replaces isoleucine 226 with valine.
Molecular consequence: missense variant.
Genome position (GRCh38, 1-based): chr2:218,812,581, A>G. VCF-style: chr2-218812581-A-G. GRCh37 (hg19) VCF-style: chr2-219677304-A-G.
Other names: short protein forms I226V.
Identifiers: ClinVar variation 3270526 (VCV003270526.1).
Genomic context (GRCh38, chr2:218,812,581, plus strand): 5'-CCTCCTGTGATGGCCTCTGTGCACTACTCAGCTATTTGCTACATCCTGTTCGAGAAACGC[A>G]TTGGCTGCCTGCAGCGATCCATCCCCGAGGACACCGTGACCTTCGTCAGATCCATCGGGT-3'
Protein context (NP_000775.1, residues 216-236): AICYILFEKR[Ile226Val]GCLQRSIPED

ClinVar aggregate classification (germline): Uncertain significance (1 of 4 stars; one submission).

Conditions:
Cardiovascular phenotype. Identifiers: MedGen CN230736.

gnomAD v4.1: 2 of 1,614,136 alleles (0.00012%); highest among the groups gnomAD compares: Non-Finnish European, 0.00017%; no homozygotes.

Submission:

Ambry Genetics
Classification: Uncertain significance for Cardiovascular phenotype. Last evaluated: 2024-04-27. Review status: criteria provided, single submitter. Criteria: Ambry Variant Classification Scheme 2023. Collection method: clinical testing. Allele origin: germline.
Comment: The p.I226V variant (also known as c.676A>G), located in coding exon 4 of the CYP27A1 gene, results from an A to G substitution at nucleotide position 676. The isoleucine at codon 226 is replaced by valine, an amino acid with highly similar properties. This amino acid position is conserved. In addition, this alteration is predicted to be tolerated by in silico analysis. Based on the available evidence, the clinical significance of this variant remains unclear.